The following is an entry in ClinVar:

ClinVar aggregate classification (germline): Likely benign. Review status: criteria provided, multiple submitters, no conflicts (2 of 4 stars). 4 submissions from 4 submitters: Likely benign (3). 1 of the submissions does not count toward it. Last evaluated 2025-11-12.

Conditions:
Fanconi anemia (FA). Also called: Fanconi's anemia. Identifiers: Orphanet 84, MedGen C0015625, MeSH D005199, MONDO:0019391.

Allele frequency attached by ClinVar (database versions not stated): ExAC 0.00001; gnomAD 0.00001; TOPMed 0.00001; gnomAD exomes 0.00002.
gnomAD v4.1: 26 of 1,613,886 alleles (0.0016%); highest among the groups gnomAD compares: Admixed American, 0.0067%; no homozygotes.

Submissions (4):

Labcorp Genetics (formerly Invitae), Labcorp
Classification: Likely benign for Fanconi anemia. Last evaluated: 2025-11-12. Review status: criteria provided, single submitter. Criteria: Invitae Variant Classification Sherloc (09022015). Collection method: clinical testing. Allele origin: germline.

Quest Diagnostics Nichols Institute San Juan Capistrano
Classification: Likely benign. Last evaluated: 2022-10-07. Review status: criteria provided, single submitter. Criteria: Quest Diagnostics criteria. Collection method: clinical testing. Allele origin: unknown.

CeGaT Center for Human Genetics Tuebingen
Classification: Likely benign. Last evaluated: 2022-09-01. Review status: criteria provided, single submitter. Criteria: CeGaT Center For Human Genetics Tuebingen Variant Classification Criteria Version 2. Collection method: clinical testing. Allele origin: germline. Affected: yes. Observed: 1 variant allele.
Comment: FANCA: BP4, BP7

Natera, Inc.
Classification: Uncertain significance for Fanconi anemia. Last evaluated: 2020-01-24. Review status: no assertion criteria provided. Collection method: clinical testing. Allele origin: germline. Not counted in ClinVar's aggregate classification.

NM_000135.4(FANCA):c.1803G>A (p.Val601=)

Gene: FANCA (FA complementation group A; minus strand). Cytogenetic location: 16q24.3.
Variant type: single nucleotide variant.
Coding change: c.1803G>A on transcript NM_000135.4 (MANE Select); coding-DNA position 1803, G replaced by A.
Protein change: p.Val601=; no amino-acid change (valine 601 retained).
Molecular consequence: synonymous variant.
Genome position (GRCh38, 1-based): chr16:89,778,824, C>T on the plus strand (G>A on the coding strand, the complement: FANCA is on the minus strand). VCF-style: chr16-89778824-C-T. GRCh37 (hg19) VCF-style: chr16-89845232-C-T.
Other names: c.1803G>A, p.Val601= (NM_001286167.3); c.1803G>A (NM_000135.3).
Identifiers: ClinVar variation 1005122 (VCV001005122.33), dbSNP rs757053400, ClinGen allele CA8252065.